The following is an entry in ClinVar:

ClinVar aggregate classification (germline): Uncertain significance (1 of 4 stars; one submission).

Conditions:
Desmin-related myofibrillar myopathy (MFM1). Also called: Desminopathy; MYOFIBRILLAR MYOPATHY WITH ARRHYTHMOGENIC RIGHT VENTRICULAR CARDIOMYOPATHY; DESMIN-RELATED MYOPATHY WITH ARRHYTHMOGENIC RIGHT VENTRICULAR CARDIOMYOPATHY; Desmin related myopathy (former name); Desmin storage myopathy (former name); Myofibrillar myopathy 1. Identifiers: Orphanet 363543, Orphanet 98909, MedGen C1832370, MONDO:0011076, OMIM 601419.

Submission:

Labcorp Genetics (formerly Invitae), Labcorp
Classification: Uncertain significance for Desmin-related myofibrillar myopathy. Last evaluated: 2023-05-24. Review status: criteria provided, single submitter. Criteria: Invitae Variant Classification Sherloc (09022015). Collection method: clinical testing. Allele origin: unknown.
Comment: This variant has not been reported in the literature in individuals affected with DES-related conditions. This variant results in the deletion of exons 7-9 and part of exon 6 (c.1051_*1379del) of the DES gene. While this deletion is not anticipated to lead to nonsense mediated decay, it is expected to alter mRNA translation or result in a truncated protein product. Experimental studies and prediction algorithms are not available or were not evaluated, and the functional significance of this variant is currently unknown. In summary, the available evidence is currently insufficient to determine the role of this variant in disease. Therefore, it has been classified as a Variant of Uncertain Significance.

NC_000002.11:g.(?_220286089)_(220292091_?)del

Gene: DES (desmin; plus strand). Cytogenetic location: 2q35.
Variant type: Deletion.
Identifiers: ClinVar variation 3247400 (VCV003247400.1).